The following is an entry in ClinVar:

NM_007194.4(CHEK2):c.37C>A (p.His13Asn)

Gene: CHEK2 (checkpoint kinase 2; minus strand). Cytogenetic location: 22q12.1.
Variant type: single nucleotide variant.
Coding change: c.37C>A on transcript NM_007194.4 (MANE Select); coding-DNA position 37, C replaced by A.
Protein change: p.His13Asn; replaces histidine 13 with asparagine.
Molecular consequence: missense variant.
Genome position (GRCh38, 1-based): chr22:28,734,685, G>T on the plus strand (C>A on the coding strand, the complement: CHEK2 is on the minus strand). VCF-style: chr22-28734685-G-T. GRCh37 (hg19) VCF-style: chr22-29130673-G-T.
Other names: c.37C>A, p.His13Asn (NM_001005735.3, NM_001349956.3, NM_145862.3); c.-741C>A (NM_001257387.3); short protein forms H13N.
Identifiers: ClinVar variation 639697 (VCV000639697.13), dbSNP rs1601854066, ClinGen allele CA411091958.

ClinVar aggregate classification (germline): Uncertain significance. Review status: criteria provided, multiple submitters, no conflicts (2 of 4 stars). 2 submissions from 2 submitters: Uncertain significance (2). Last evaluated 2025-11-04.

Conditions:
Hereditary cancer-predisposing syndrome. Also called: Neoplastic Syndromes, Hereditary; Tumor predisposition; Hereditary Cancer Syndrome; Hereditary neoplastic syndrome. Identifiers: Orphanet 140162, MedGen C0027672, MeSH D009386, MONDO:0015356.
Familial cancer of breast. Also called: BREAST CANCER, FAMILIAL; hereditary breast carcinoma; Hereditary breast cancer. Identifiers: Orphanet 227535, MedGen C0346153, MONDO:0016419, OMIM 114480. Disease mechanism: loss of function.

Submissions (2):

Ambry Genetics
Classification: Uncertain significance for Hereditary cancer-predisposing syndrome. Last evaluated: 2025-11-04. Review status: criteria provided, single submitter. Criteria: Ambry Variant Classification Scheme 2023. Collection method: clinical testing. Allele origin: germline.
Comment: The p.H13N variant (also known as c.37C>A), located in coding exon 1 of the CHEK2 gene, results from a C to A substitution at nucleotide position 37. The histidine at codon 13 is replaced by asparagine, an amino acid with similar properties. This amino acid position is not well conserved in available vertebrate species. In addition, the in silico prediction for this alteration is inconclusive. Since supporting evidence is limited at this time, the clinical significance of this alteration remains unclear.

Labcorp Genetics (formerly Invitae), Labcorp
Classification: Uncertain significance for Familial cancer of breast. Last evaluated: 2018-09-19. Review status: criteria provided, single submitter. Criteria: Invitae Variant Classification Sherloc (09022015). Collection method: clinical testing. Allele origin: germline.
Comment: This variant is not present in population databases (ExAC no frequency). In summary, the available evidence is currently insufficient to determine the role of this variant in disease. Therefore, it has been classified as a Variant of Uncertain Significance. Algorithms developed to predict the effect of missense changes on protein structure and function (SIFT, PolyPhen-2, Align-GVGD) all suggest that this variant is likely to be tolerated, but these predictions have not been confirmed by published functional studies and their clinical significance is uncertain. This variant has not been reported in the literature in individuals with CHEK2-related disease. This sequence change replaces histidine with asparagine at codon 13 of the CHEK2 protein (p.His13Asn). The histidine residue is moderately conserved and there is a small physicochemical difference between histidine and asparagine.